The following is an entry in ClinVar:

ClinVar aggregate classification (germline): Uncertain significance (1 of 4 stars; one submission).

Conditions:
Pheochromocytoma/paraganglioma syndrome 4. Also called: CAROTID BODY TUMORS AND MULTIPLE EXTRAADRENAL PHEOCHROMOCYTOMAS; PARAGANGLIOMA, FAMILIAL MALIGNANT; PARAGANGLIOMAS, HEREDITARY EXTRAADRENAL; PHEOCHROMOCYTOMA, FAMILIAL EXTRAADRENAL; SDHB-Related Hereditary Paraganglioma-Pheochromocytoma Syndrome; SDHB-Related Hereditary Paraganglioma-Pheochromocytoma Syndrome (Paragangliomas 4). Identifiers: Orphanet 29072, MedGen C1861848, MONDO:0007273, OMIM 115310.
Pheochromocytoma. Also called: MAX-Related Hereditary Paraganglioma-Pheochromocytoma Syndrome. Identifiers: Orphanet 29072, MedGen C0031511, MONDO:0008233, OMIM 171300, HP:0002666.
Gastrointestinal stromal tumor. Also called: Gastrointestinal stroma tumor; Gastrointestinal stromal tumor, somatic. Identifiers: Orphanet 44890, MedGen C0238198, MeSH D046152, MONDO:0011719, OMIM 606764, HP:0100723.

Submission:

Labcorp Genetics (formerly Invitae), Labcorp
Classification: Uncertain significance for Gastrointestinal stromal tumor; Pheochromocytoma/paraganglioma syndrome 4; Pheochromocytoma. Last evaluated: 2022-10-03. Review status: criteria provided, single submitter. Criteria: Invitae Variant Classification Sherloc (09022015). Collection method: clinical testing. Allele origin: germline.
Comment: Advanced modeling of protein sequence and biophysical properties (such as structural, functional, and spatial information, amino acid conservation, physicochemical variation, residue mobility, and thermodynamic stability) performed at Invitae indicates that this missense variant is not expected to disrupt SDHB protein function. In summary, the available evidence is currently insufficient to determine the role of this variant in disease. Therefore, it has been classified as a Variant of Uncertain Significance. This variant has not been reported in the literature in individuals affected with SDHB-related conditions. This variant is not present in population databases (gnomAD no frequency). This sequence change replaces glutamic acid, which is acidic and polar, with aspartic acid, which is acidic and polar, at codon 62 of the SDHB protein (p.Glu62Asp).

NM_003000.3(SDHB):c.186A>T (p.Glu62Asp)

Gene: SDHB (succinate dehydrogenase complex iron sulfur subunit B; minus strand). Cytogenetic location: 1p36.13.
Variant type: single nucleotide variant.
Coding change: c.186A>T on transcript NM_003000.3 (MANE Select); coding-DNA position 186, A replaced by T.
Protein change: p.Glu62Asp; replaces glutamic acid 62 with aspartic acid.
Molecular consequence: missense variant.
Genome position (GRCh38, 1-based): chr1:17,044,775, T>A on the plus strand (A>T on the coding strand, the complement: SDHB is on the minus strand). VCF-style: chr1-17044775-T-A. GRCh37 (hg19) VCF-style: chr1-17371270-T-A.
Other names: c.186A>T, p.Glu62Asp (NM_001407361.1); short protein forms E62D.
Identifiers: ClinVar variation 1720875 (VCV001720875.6), dbSNP rs876658473, ClinGen allele CA338227744.